The following is an entry in ClinVar:

NM_000046.5(ARSB):c.690+2T>C

Gene: ARSB (arylsulfatase B; minus strand). Cytogenetic location: 5q14.1.
Variant type: single nucleotide variant.
Coding change: c.690+2T>C on transcript NM_000046.5 (MANE Select); the canonical splice donor site of the intron after coding-DNA position 690, T replaced by C.
Molecular consequence: splice donor variant.
Genome position (GRCh38, 1-based): chr5:78,964,414, A>G on the plus strand (T>C on the coding strand, the complement: ARSB is on the minus strand). VCF-style: chr5-78964414-A-G. GRCh37 (hg19) VCF-style: chr5-78260237-A-G.
Other names: c.690+2T>C (NM_198709.3, NM_000046.4).
Identifiers: ClinVar variation 2678550 (VCV002678550.2), dbSNP rs1267623765, ClinGen allele CA360192948.

ClinVar aggregate classification (germline): Likely pathogenic. Review status: criteria provided, multiple submitters, no conflicts (2 of 4 stars). 2 submissions from 2 submitters: Likely pathogenic (2). Last evaluated 2024-10-07.

Conditions:
Mucopolysaccharidosis type 6 (MPS6). Also called: N-ACETYLGALACTOSAMINE-4-SULFATASE DEFICIENCY; MPS VI; ARSB DEFICIENCY; ARYLSULFATASE B DEFICIENCY; MPS 6; Maroteaux Lamy syndrome. Identifiers: Orphanet 583, MedGen C0026709, MONDO:0009661, OMIM 253200.

Allele frequency attached by ClinVar (database versions not stated): TOPMed below 0.00001; gnomAD 0.00001.
gnomAD v4.1: 1 of 1,613,614 alleles (0.000062%); highest among the groups gnomAD compares: Admixed American, 0.0017%; no homozygotes.

Submissions (2):

Natera, Inc.
Classification: Likely pathogenic for Mucopolysaccharidosis type VI. Last evaluated: 2024-10-07. Review status: criteria provided, single submitter. Criteria: Natera Variant Classification Schema (03/2026). Collection method: clinical testing. Allele origin: germline.
Comment: The c.690+2T>C variant in ARSB is a canonical splice donor site variant predicted to affect pre-mRNA splicing, which may result in an abnormal transcript and altered protein product. This variant is expected to result in nonsense mediated decay, truncation, or a dysfunctional protein product. This variant is rare in the general population with a frequency below the threshold expected for the associated phenotype(s). Given the available evidence, this variant is classified as Likely Pathogenic.

Baylor Genetics
Classification: Likely pathogenic for Mucopolysaccharidosis type 6. Last evaluated: 2022-11-02. Review status: criteria provided, single submitter. Criteria: ACMG Guidelines, 2015. Collection method: clinical testing. Allele origin: unknown.